The following is an entry in ClinVar:

ClinVar aggregate classification (germline): Uncertain significance (1 of 4 stars; one submission).

Submission:

GeneDx
Classification: Uncertain significance. Last evaluated: 2026-04-24. Review status: criteria provided, single submitter. Criteria: GeneDx Variant Classification Process June 2021. Collection method: clinical testing. Allele origin: germline.
Comment: Not observed at significant frequency in large population cohorts (gnomAD); In silico analysis suggests that this missense variant does not alter protein structure/function; Has not been previously published as pathogenic or benign to our knowledge

NM_001348323.3(TRIP12):c.1216G>C (p.Glu406Gln)

Gene: TRIP12 (thyroid hormone receptor interactor 12; minus strand). Cytogenetic location: 2q36.3.
Variant type: single nucleotide variant.
Coding change: c.1216G>C on transcript NM_001348323.3 (MANE Select); coding-DNA position 1216, G replaced by C.
Protein change: p.Glu406Gln; replaces glutamic acid 406 with glutamine.
Molecular consequence: missense variant.
Genome position (GRCh38, 1-based): chr2:229,836,902, C>G on the plus strand (G>C on the coding strand, the complement: TRIP12 is on the minus strand). VCF-style: chr2-229836902-C-G. GRCh37 (hg19) VCF-style: chr2-230701618-C-G.
Other names: c.1216G>C, p.Glu406Gln (NM_001284214.2, NM_001348315.2, NM_001348319.1 and 13 more transcripts); c.1090G>C, p.Glu364Gln (NM_001284215.2, NM_001348316.2, NM_001348317.1 and 3 more transcripts); c.181G>C, p.Glu61Gln (NM_001284216.2); c.1129G>C, p.Glu377Gln (NM_001348332.1, NM_001348334.1); short protein forms E364Q, E377Q, E406Q, E61Q.
Identifiers: ClinVar variation 5037656 (VCV005037656.1).
Genomic context (GRCh38, chr2:229,836,902, plus strand): 5'-ATCTACCTGCAGCTCCTTGGGGAGCTTCATCTGTCCGAGCAGCTGAAGAATTTACTGCCT[C>G]CTGGTTGCTTTCAGGGTCTGCCATTTTCTCCTGTCGACGAGCTTCAGCTGCTCCTCTTTT-3'
Protein context (NP_001335252.1, residues 396-416): EKMADPESNQ[Glu406Gln]AVNSSAARTD